The following is an entry in ClinVar:

NM_000059.3:c.3390_3391insALU

Gene: BRCA2 (BRCA2 DNA repair associated; plus strand).
Variant type: Insertion.
Identifiers: ClinVar variation 1730899 (VCV001730899.4).

ClinVar aggregate classification (germline): Likely pathogenic (1 of 4 stars; one submission).

Conditions:
Hereditary cancer-predisposing syndrome. Also called: Neoplastic Syndromes, Hereditary; Tumor predisposition; Hereditary Cancer Syndrome; Hereditary neoplastic syndrome. Identifiers: Orphanet 140162, MedGen C0027672, MeSH D009386, MONDO:0015356.

Submission:

Ambry Genetics
Classification: Likely pathogenic for Hereditary cancer-predisposing syndrome. Last evaluated: 2024-10-11. Review status: criteria provided, single submitter. Criteria: Ambry Variant Classification Scheme 2023. Collection method: clinical testing. Allele origin: germline.
Comment: The c.3390_3391insAlu variant, located in coding exon 10 of the BRCA2 gene, results from an in-frame ALU insertion at nucleotide positions 3390 to 3391. Mobile element insertions contribute to pathogenicity by either disrupting the coding sequence or inducing aberrant splicing (Belancio VP et al. Semin. Cancer Biol. 2010 Aug;20:200-10; Deininger P et al. Genome Biol. 2011 Dec;12:236; van der Klift HM Hum Mutat. 2012 Jul;33(7):1051-5). Multiple Alu element insertions have been reported in coding exon 10 of the BRCA2 gene (also called Exon 11) (Qian Y et al. Cancer Genet. 2017 Oct;216-217:159-169). Based on the majority of available evidence to date, this variant is likely to be pathogenic.

Literature cited by the submitters: PubMed 20600922; PubMed 22204421; PubMed 22461402; PubMed 29025590.